The following is an entry in ClinVar:

NM_020366.4(RPGRIP1):c.1713dup (p.Ile572fs)

Gene: RPGRIP1 (RPGR interacting protein 1; plus strand). Cytogenetic location: 14q11.2.
Variant type: Duplication.
Coding change: c.1713dup on transcript NM_020366.4 (MANE Select); coding-DNA position 1713, one base duplicated (T; older notation c.1713dupT).
Protein change: p.Ile572fs; shifts the reading frame from isoleucine 572.
Molecular consequence: frameshift variant.
Genome position (GRCh38, 1-based): chr14:21,321,955, T duplicated. VCF-style (leftmost placement, unchanged base first): chr14-21321954-G-GT. GRCh37 (hg19) VCF-style: chr14-21790113-G-GT.
Other names: c.639dup, p.Ile214fs (NM_001377523.1, NM_001377948.1, NM_001377949.1 and 1 more transcripts); c.141dup, p.Ile48fs (NM_001377951.1); short protein forms I48fs, I214fs, I572fs.
Identifiers: ClinVar variation 2167156 (VCV002167156.4), dbSNP rs758678811, ClinGen allele CA7089051.
Genomic context (GRCh38, chr14:21,321,954, plus strand): 5'-ATAGAGATCACAAAGAAAAGCTGGAGAGGTTGACTCGACTACTAGACCTCAAGAATAACC[G>GT]TATCAAGCAGCTGGAAGGTATTTTAAGAAGCCATGACCTTCCAACATCTGGCAAGTCTTA-3'

ClinVar aggregate classification (germline): Pathogenic (1 of 4 stars; one submission).

Conditions:
Leber congenital amaurosis 6 (LCA6). Identifiers: Orphanet 65, MedGen C1854260, MONDO:0013446, OMIM 613826.
Cone-rod dystrophy 13 (CORD13). Identifiers: Orphanet 1872, MedGen C2750720, MONDO:0011987, OMIM 608194.

Allele frequency attached by ClinVar (database versions not stated): ExAC 0.00001.

Submission:

Labcorp Genetics (formerly Invitae), Labcorp
Classification: Pathogenic for Leber congenital amaurosis 6; Cone-rod dystrophy 13. Last evaluated: 2022-07-20. Review status: criteria provided, single submitter. Criteria: Invitae Variant Classification Sherloc (09022015). Collection method: clinical testing. Allele origin: germline.
Comment: This sequence change creates a premature translational stop signal (p.Ile572Tyrfs*12) in the RPGRIP1 gene. It is expected to result in an absent or disrupted protein product. Loss-of-function variants in RPGRIP1 are known to be pathogenic (PMID: 11528500, 23105016). For these reasons, this variant has been classified as Pathogenic. This variant has not been reported in the literature in individuals affected with RPGRIP1-related conditions. This variant is present in population databases (rs758678811, gnomAD 0.0009%).

Literature cited by the submitters: PubMed 11528500; PubMed 23105016.